The following is an entry in ClinVar:

NM_000218.3(KCNQ1):c.1794+102C>G

Gene: KCNQ1 (potassium voltage-gated channel subfamily Q member 1; plus strand). Cytogenetic location: 11p15.5.
Variant type: single nucleotide variant.
Coding change: c.1794+102C>G on transcript NM_000218.3 (MANE Select); 102 bases into the intron after coding-DNA position 1794, C replaced by G.
Molecular consequence: intron variant.
Genome position (GRCh38, 1-based): chr11:2,778,139, C>G. VCF-style: chr11-2778139-C-G. GRCh37 (hg19) VCF-style: chr11-2799369-C-G.
Other names: c.1524+102C>G (NM_001406837.1); c.1698+102C>G (NM_001406836.1); c.1254+102C>G (NM_001406838.1); c.1413+102C>G (NM_181798.2); c.306+102C>G (NM_001406839.1).
Identifiers: ClinVar variation 671974 (VCV000671974.4), dbSNP rs55771042, ClinGen allele CA216322132.

ClinVar aggregate classification (germline): Likely benign. Review status: criteria provided, multiple submitters, no conflicts (2 of 4 stars). 2 submissions from 2 submitters: Likely benign (2). Last evaluated 2018-06-14.

Allele frequency attached by ClinVar (database versions not stated): 1000 Genomes Project 0.01558; 1000 Genomes Project 30x 0.01577; TOPMed 0.01778; gnomAD 0.01828 and 0.01916.
gnomAD v4.1: 29,169 of 1,139,922 alleles (2.6%); highest among the groups gnomAD compares: South Asian, 4.6%; 477 homozygotes.

Submissions (2):

GeneDx
Classification: Likely benign. Last evaluated: 2018-06-14. Review status: criteria provided, single submitter. Criteria: GeneDx Variant Classification (06012015). Collection method: clinical testing. Allele origin: germline. Affected: yes.
Comment: This variant is considered likely benign or benign based on one or more of the following criteria: it is a conservative change, it occurs at a poorly conserved position in the protein, it is predicted to be benign by multiple in silico algorithms, and/or has population frequency not consistent with disease.

Breakthrough Genomics
Classification: Likely benign. Review status: criteria provided, single submitter. Criteria: ACMG Guidelines, 2015. Collection method: not provided. Allele origin: germline. Inheritance: Autosomal recessive inheritance. Affected: yes.